The following is an entry in ClinVar:

ClinVar aggregate classification (germline): Likely benign (1 of 4 stars; one submission).

Allele frequency attached by ClinVar (database versions not stated): TOPMed below 0.00001; gnomAD 0.00001.

Submission:

CeGaT Center for Human Genetics Tuebingen
Classification: Likely benign. Last evaluated: 2023-09-01. Review status: criteria provided, single submitter. Criteria: CeGaT Center For Human Genetics Tuebingen Variant Classification Criteria Version 2. Collection method: clinical testing. Allele origin: germline. Affected: yes. Observed: 1 variant allele.
Comment: SPEG: BP4, BP7

NM_005876.5(SPEG):c.249G>A (p.Leu83=)

Gene: SPEG (striated muscle enriched protein kinase; plus strand). Cytogenetic location: 2q35.
Variant type: single nucleotide variant.
Coding change: c.249G>A on transcript NM_005876.5 (MANE Select); coding-DNA position 249, G replaced by A.
Protein change: p.Leu83=; no amino-acid change (leucine 83 retained).
Molecular consequence: synonymous variant.
Genome position (GRCh38, 1-based): chr2:219,435,226, G>A. VCF-style: chr2-219435226-G-A. GRCh37 (hg19) VCF-style: chr2-220299948-G-A.
Identifiers: ClinVar variation 2651921 (VCV002651921.24), dbSNP rs1310565832, ClinGen allele CA431428082.